The following is an entry in ClinVar:

ClinVar aggregate classification (germline): Uncertain significance. Review status: criteria provided, multiple submitters, no conflicts (2 of 4 stars). 2 submissions from 2 submitters: Uncertain significance (2). Last evaluated 2025-01-01.

Conditions:
Cardiovascular phenotype. Identifiers: MedGen CN230736.

Allele frequency attached by ClinVar (database versions not stated): gnomAD 0.00001; TOPMed 0.00002; ExAC 0.00003; ESP Exome Variant Server 0.00016.
gnomAD v4.1: 17 of 1,613,644 alleles (0.0011%); highest among the groups gnomAD compares: Middle Eastern, 0.049%; no homozygotes.

Submissions (2):

CeGaT Center for Human Genetics Tuebingen
Classification: Uncertain significance. Last evaluated: 2025-01-01. Review status: criteria provided, single submitter. Criteria: CeGaT Center For Human Genetics Tuebingen Variant Classification Criteria Version 2. Collection method: clinical testing. Allele origin: germline. Affected: yes. Observed: 1 variant allele.
Comment: TTN: PM2

Ambry Genetics
Classification: Uncertain significance for Cardiovascular phenotype. Last evaluated: 2020-08-12. Review status: criteria provided, single submitter. Criteria: Ambry Variant Classification Scheme 2023. Collection method: clinical testing. Allele origin: germline.
Comment: The p.K19385N variant (also known as c.58155G>C), located in coding exon 153 of the TTN gene, results from a G to C substitution at nucleotide position 58155. The lysine at codon 19385 is replaced by asparagine, an amino acid with similar properties. This amino acid position is not well conserved in available vertebrate species. In addition, this alteration is predicted to be tolerated by in silico analysis. Since supporting evidence is limited at this time, the clinical significance of this alteration remains unclear.

NM_001267550.2(TTN):c.85350G>C (p.Lys28450Asn)

Genes: TTN (titin; minus strand), TTN-AS1 (TTN antisense RNA 1; plus strand). Cytogenetic location: 2q31.2.
Variant type: single nucleotide variant.
Coding change: c.85350G>C on transcript NM_001267550.2 (MANE Select); coding-DNA position 85350, G replaced by C.
Protein change: p.Lys28450Asn; replaces lysine 28450 with asparagine.
Molecular consequence: missense variant.
Genome position (GRCh38, 1-based): chr2:178,560,782, C>G on the plus strand (G>C on the coding strand, the complement: TTN is on the minus strand). VCF-style: chr2-178560782-C-G. GRCh37 (hg19) VCF-style: chr2-179425509-C-G.
Other names: c.58155G>C, p.Lys19385Asn (NM_003319.4); c.77646G>C, p.Lys25882Asn (NM_133378.4); c.58530G>C, p.Lys19510Asn (NM_133432.3); c.58731G>C, p.Lys19577Asn (NM_133437.4); c.80427G>C, p.Lys26809Asn (NM_001256850.1); short protein forms K19385N, K19510N, K26809N, K25882N, K28450N, K19577N.
Identifiers: ClinVar variation 1749860 (VCV001749860.15), dbSNP rs373453778, ClinGen allele CA1988656.